The following is an entry in ClinVar:

ClinVar aggregate classification (germline): Uncertain significance. Review status: criteria provided, multiple submitters, no conflicts (2 of 4 stars). 3 submissions from 3 submitters: Uncertain significance (3). Last evaluated 2025-08-27.

Allele frequency attached by ClinVar (database versions not stated): ExAC 0.00005; ESP Exome Variant Server 0.00008; gnomAD exomes 0.00002; TOPMed 0.00002; gnomAD 0.00003.
gnomAD v4.1: 38 of 1,613,886 alleles (0.0024%); highest among the groups gnomAD compares: Admixed American, 0.0067%; no homozygotes.

Submissions (3):

Labcorp Genetics (formerly Invitae), Labcorp
Classification: Uncertain significance. Last evaluated: 2025-08-27. Review status: criteria provided, single submitter. Criteria: Invitae Variant Classification Sherloc (09022015). Collection method: clinical testing. Allele origin: germline.
Comment: This sequence change replaces phenylalanine, which is neutral and non-polar, with leucine, which is neutral and non-polar, at codon 270 of the MTMR14 protein (p.Phe270Leu). This variant is present in population databases (rs374251047, gnomAD 0.01%). This variant has not been reported in the literature in individuals affected with MTMR14-related conditions. ClinVar contains an entry for this variant (Variation ID: 2689458). Invitae Evidence Modeling of protein sequence and biophysical properties (such as structural, functional, and spatial information, amino acid conservation, physicochemical variation, residue mobility, and thermodynamic stability) indicates that this missense variant is not expected to disrupt MTMR14 protein function with a negative predictive value of 80%. In summary, the available evidence is currently insufficient to determine the role of this variant in disease. Therefore, it has been classified as a Variant of Uncertain Significance.

Ambry Genetics
Classification: Uncertain significance. Last evaluated: 2024-01-29. Review status: criteria provided, single submitter. Criteria: Ambry Variant Classification Scheme 2023. Collection method: clinical testing. Allele origin: germline.

Revvity Omics, Revvity
Classification: Uncertain significance. Last evaluated: 2019-09-06. Review status: criteria provided, single submitter. Criteria: ACMG Guidelines, 2015. Collection method: clinical testing. Allele origin: germline.

NM_001077525.3(MTMR14):c.808T>C (p.Phe270Leu)

Gene: MTMR14 (myotubularin related protein 14; plus strand). Cytogenetic location: 3p25.3.
Variant type: single nucleotide variant.
Coding change: c.808T>C on transcript NM_001077525.3 (MANE Select); coding-DNA position 808, T replaced by C.
Protein change: p.Phe270Leu; replaces phenylalanine 270 with leucine.
Molecular consequence: missense variant. On other transcripts: non-coding transcript variant (6), intron variant (4).
Genome position (GRCh38, 1-based): chr3:9,677,373, T>C. VCF-style: chr3-9677373-T-C. GRCh37 (hg19) VCF-style: chr3-9719057-T-C.
Other names: c.166T>C, p.Phe56Leu (NM_001400540.1, NM_001400541.1, NM_001400542.1 and 9 more transcripts); c.808T>C, p.Phe270Leu (NM_022485.5, NM_001077526.3, NM_001400520.1 and 2 more transcripts); c.36+4615T>C (NM_001400547.1, NM_001400548.1, NM_001400544.1 and 1 more transcripts); c.562T>C, p.Phe188Leu (NM_001400536.1, NM_001400524.1, NM_001400527.1 and 1 more transcripts); c.526T>C, p.Phe176Leu (NM_001400537.1, NM_001400525.1, NM_001400529.1 and 1 more transcripts); c.877T>C, p.Phe293Leu (NM_001400518.1, NM_001400521.1, NM_001400526.1); c.805T>C, p.Phe269Leu (NM_001400519.1, NM_001400522.1); c.559T>C, p.Phe187Leu (NM_001400531.1); short protein forms F176L, F187L, F188L, F269L, F270L, F293L, F56L.
Identifiers: ClinVar variation 2689458 (VCV002689458.6), dbSNP rs374251047, ClinGen allele CA2240460.